The following is an entry in ClinVar:

ClinVar aggregate classification (germline): Conflicting classifications of pathogenicity. Review status: criteria provided, conflicting classifications (1 of 4 stars). 5 submissions from 5 submitters: Uncertain significance (4); Likely benign (1). Last evaluated 2025-11-06.

Conditions:
Inborn genetic diseases. Identifiers: MedGen C0950123, MeSH D030342.
Nemaline myopathy 2 (NEM2). Also called: Nemaline myopathy 2, autosomal recessive. Identifiers: MedGen C1850569, MONDO:0009725, OMIM 256030.

Allele frequency attached by ClinVar (database versions not stated): TOPMed 0.00003; gnomAD exomes 0.00004; gnomAD 0.00005.
gnomAD v4.1: 61 of 1,612,212 alleles (0.0038%); highest among the groups gnomAD compares: Non-Finnish European, 0.005%; no homozygotes.

Submissions (5):

Labcorp Genetics (formerly Invitae), Labcorp
Classification: Likely benign for Nemaline myopathy 2. Last evaluated: 2025-11-06. Review status: criteria provided, single submitter. Criteria: Invitae Variant Classification Sherloc (09022015). Collection method: clinical testing. Allele origin: germline.

Ambry Genetics
Classification: Uncertain significance for Inborn genetic diseases. Last evaluated: 2025-08-26. Review status: criteria provided, single submitter. Criteria: Ambry Variant Classification Scheme 2023. Collection method: clinical testing. Allele origin: germline.

Blueprint Genetics
Classification: Uncertain significance. Last evaluated: 2024-06-26. Review status: criteria provided, single submitter. Criteria: ACMG Guidelines, 2015. Collection method: clinical testing. Allele origin: germline.

GeneDx
Classification: Uncertain significance. Last evaluated: 2023-10-30. Review status: criteria provided, single submitter. Criteria: GeneDx Variant Classification Process June 2021. Collection method: clinical testing. Allele origin: germline.
Comment: Not observed at significant frequency in large population cohorts (gnomAD); In silico analysis supports that this missense variant does not alter protein structure/function; Has not been previously published as pathogenic or benign to our knowledge

Revvity Omics, Revvity
Classification: Uncertain significance. Last evaluated: 2022-10-11. Review status: criteria provided, single submitter. Criteria: ACMG Guidelines, 2015. Collection method: clinical testing. Allele origin: germline.

NM_001164508.2(NEB):c.5262C>A (p.Asn1754Lys)

Gene: NEB (nebulin; minus strand). Cytogenetic location: 2q23.3.
Variant type: single nucleotide variant.
Coding change: c.5262C>A on transcript NM_001164508.2 (MANE Select); coding-DNA position 5262, C replaced by A.
Protein change: p.Asn1754Lys; replaces asparagine 1754 with lysine.
Molecular consequence: missense variant.
Genome position (GRCh38, 1-based): chr2:151,664,840, G>T on the plus strand (C>A on the coding strand, the complement: NEB is on the minus strand). VCF-style: chr2-151664840-G-T. GRCh37 (hg19) VCF-style: chr2-152521354-G-T.
Other names: c.5262C>A (NM_004543.4); c.5262C>A, p.Asn1754Lys (NM_001164507.2, NM_001271208.2, NM_004543.5); short protein forms N1754K.
Identifiers: ClinVar variation 2030668 (VCV002030668.10), dbSNP rs950759807, ClinGen allele CA57644505.